The following is an entry in ClinVar:

ClinVar aggregate classification (germline): Pathogenic (1 of 4 stars; one submission).

Conditions:
Muscular dystrophy-dystroglycanopathy (congenital with impaired intellectual development), type B, 14. Also called: MUSCULAR DYSTROPHY, CONGENITAL, GMPPB-RELATED; Congenital muscular dystrophy-dystroglycanopathy with mental retardation, type B14; Muscular dystrophy-dystroglycanopathy (congenital with intellectual disability), type B14. Identifiers: MedGen C3809221, MONDO:0014141, OMIM 615351.
Muscular dystrophy-dystroglycanopathy (congenital with brain and eye anomalies), type A14. Also called: WALKER-WARBURG SYNDROME OR MUSCLE-EYE-BRAIN DISEASE, GMPPB-RELATED; Muscular dystrophy-dystroglycanopathy (congenital with brain and eye anomalies), type a, 14; Congenital Muscular Dystrophy-Dystroglycanopathy with Brain and Eye Anomalies Type A 14; Congenital muscular dystrophy-dystroglycanopathy with brain and eye anomalies, type A14. Identifiers: Orphanet 588, MedGen C3809216, MONDO:0014140, OMIM 615350.
Autosomal recessive limb-girdle muscular dystrophy type 2T. Also called: MUSCULAR DYSTROPHY-DYSTROGLYCANOPATHY, LIMB-GIRDLE, GMPPB-RELATED; MUSCULAR DYSTROPHY, LIMB-GIRDLE, TYPE 2T; Muscular dystrophy-dystroglycanopathy (limb-girdle), type c, 14; Limb-girdle muscular dystrophy-dystroglycanopathy, type C14. Identifiers: Orphanet 363623, MedGen C4518000, MONDO:0014142, OMIM 615352.

Submission:

Labcorp Genetics (formerly Invitae), Labcorp
Classification: Pathogenic for Autosomal recessive limb-girdle muscular dystrophy type 2T; Muscular dystrophy-dystroglycanopathy (congenital with brain and eye anomalies), type A14; Muscular dystrophy-dystroglycanopathy (congenital with impaired intellectual development), type B, 14. Last evaluated: 2025-04-29. Review status: criteria provided, single submitter. Criteria: Invitae Variant Classification Sherloc (09022015). Collection method: clinical testing. Allele origin: germline.
Comment: This sequence change replaces cysteine, which is neutral and slightly polar, with tyrosine, which is neutral and polar, at codon 266 of the GMPPB protein (p.Cys266Tyr). This variant is not present in population databases (gnomAD no frequency). This missense change has been observed in individual(s) with GMPPB-related conditions (PMID: 25681410; internal data). In at least one individual the data is consistent with being in trans (on the opposite chromosome) from a pathogenic variant. It has also been observed to segregate with disease in related individuals. Invitae Evidence Modeling of protein sequence and biophysical properties (such as structural, functional, and spatial information, amino acid conservation, physicochemical variation, residue mobility, and thermodynamic stability) indicates that this missense variant is expected to disrupt GMPPB protein function with a positive predictive value of 80%. For these reasons, this variant has been classified as Pathogenic.

Literature cited by the submitters: PubMed 25681410.

NM_021971.4(GMPPB):c.797G>A (p.Cys266Tyr)

Gene: GMPPB (GDP-mannose pyrophosphorylase B; minus strand). Cytogenetic location: 3p21.31.
Variant type: single nucleotide variant.
Coding change: c.797G>A on transcript NM_021971.4 (MANE Select); coding-DNA position 797, G replaced by A.
Protein change: p.Cys266Tyr; replaces cysteine 266 with tyrosine.
Molecular consequence: missense variant.
Genome position (GRCh38, 1-based): chr3:49,722,119, C>T on the plus strand (G>A on the coding strand, the complement: GMPPB is on the minus strand). VCF-style: chr3-49722119-C-T. GRCh37 (hg19) VCF-style: chr3-49759552-C-T.
Other names: c.797G>A, p.Cys266Tyr (NM_013334.4); short protein forms C266Y.
Identifiers: ClinVar variation 4783624 (VCV004783624.1).